The following is an entry in ClinVar:

ClinVar aggregate classification (germline): Benign. Review status: criteria provided, multiple submitters, no conflicts (2 of 4 stars). 3 submissions from 3 submitters: Benign (3). Last evaluated 2021-05-04.

Allele frequency attached by ClinVar (database versions not stated): ESP Exome Variant Server 0.90881; TOPMed 0.91771; gnomAD 0.92074 and 0.92484; 1000 Genomes Project 30x 0.92333; 1000 Genomes Project 0.92971; ExAC 0.94655; gnomAD exomes 0.94866.
gnomAD v4.1: 1,489,629 of 1,577,730 alleles (94%); highest among the groups gnomAD compares: East Asian, 100%; 703,947 homozygotes.

Submissions (3):

GeneDx
Classification: Benign. Last evaluated: 2021-05-04. Review status: criteria provided, single submitter. Criteria: GeneDx Variant Classification Process June 2021. Collection method: clinical testing. Allele origin: germline. Affected: yes.

Laboratory for Molecular Medicine, Mass General Brigham Personalized Medicine
Classification: Benign. Last evaluated: 2016-03-28. Review status: criteria provided, single submitter. Criteria: LMM Criteria. Collection method: clinical testing. Allele origin: germline.
Comment: Variant identified in a genome or exome case(s) and assessed due to predicted null impact of the variant or pathogenic assertions in the literature or databases. Disclaimer: This variant has not undergone full assessment. The following are preliminary notes: Frequency

Breakthrough Genomics
Classification: Benign. Review status: criteria provided, single submitter. Criteria: ACMG Guidelines, 2015. Collection method: not provided. Allele origin: germline. Inheritance: Unknown mechanism. Affected: yes.

NM_001370.2(DNAH6):c.1818C>A (p.Ala606=)

Gene: DNAH6 (dynein axonemal heavy chain 6; plus strand). Cytogenetic location: 2p11.2.
Variant type: single nucleotide variant.
Coding change: c.1818C>A on transcript NM_001370.2 (MANE Select); coding-DNA position 1818, C replaced by A.
Protein change: p.Ala606=; no amino-acid change (alanine 606 retained).
Molecular consequence: synonymous variant.
Genome position (GRCh38, 1-based): chr2:84,573,481, C>A. VCF-style: chr2-84573481-C-A. GRCh37 (hg19) VCF-style: chr2-84800605-C-A.
Identifiers: ClinVar variation 402734 (VCV000402734.8), dbSNP rs11891970, ClinGen allele CA1736784.